The following is an entry in ClinVar:

ClinVar aggregate classification (germline): Benign/Likely benign. Review status: criteria provided, multiple submitters, no conflicts (2 of 4 stars). 3 submissions from 3 submitters: Benign (1); Likely benign (2). Last evaluated 2025-10-27.

Conditions:
Ataxia-telangiectasia syndrome (AT). Also called: Ataxia telangiectasia (A-T); LOUIS-BAR SYNDROME; Cerebello-oculocutaneous telangiectasia; Immunodeficiency with ataxia telangiectasia; Ataxia-telangiectasia, complementation group D; AT, COMPLEMENTATION GROUP C. Identifiers: Orphanet 100, MedGen C0004135, MONDO:0008840, OMIM 208900.
Hereditary cancer-predisposing syndrome. Also called: Hereditary neoplastic syndrome; Neoplastic Syndromes, Hereditary; Tumor predisposition; Hereditary Cancer Syndrome. Identifiers: Orphanet 140162, MedGen C0027672, MeSH D009386, MONDO:0015356.
Familial cancer of breast. Also called: Hereditary breast cancer; hereditary breast carcinoma; BREAST CANCER, FAMILIAL. Identifiers: Orphanet 227535, MedGen C0346153, MONDO:0016419, OMIM 114480. Disease mechanism: loss of function.

Submissions (3):

Ambry Genetics
Classification: Likely benign for Hereditary cancer-predisposing syndrome. Last evaluated: 2025-10-27. Review status: criteria provided, single submitter. Criteria: Ambry Variant Classification Scheme 2023. Collection method: clinical testing. Allele origin: germline.

Myriad Genetics, Inc.
Classification: Benign for Familial cancer of breast. Last evaluated: 2024-06-18. Review status: criteria provided, single submitter. Criteria: Myriad Autosomal Dominant, Autosomal Recessive and X-Linked Classification Criteria (2023). Collection method: clinical testing. Allele origin: unknown.
Comment: This variant is considered benign. This variant is a silent/synonymous amino acid change and it is not expected to impact splicing.

Labcorp Genetics (formerly Invitae), Labcorp
Classification: Likely benign for Ataxia-telangiectasia syndrome. Last evaluated: 2022-02-21. Review status: criteria provided, single submitter. Criteria: Invitae Variant Classification Sherloc (09022015). Collection method: clinical testing. Allele origin: germline.

NM_000051.4(ATM):c.8205T>C (p.Cys2735=)

Genes: ATM (ATM serine/threonine kinase; plus strand), C11orf65 (chromosome 11 open reading frame 65; minus strand). Cytogenetic location: 11q22.3.
Variant type: single nucleotide variant.
Coding change: c.8205T>C on transcript NM_000051.4 (MANE Select); coding-DNA position 8205, T replaced by C.
Protein change: p.Cys2735=; no amino-acid change (cysteine 2735 retained).
Molecular consequence: synonymous variant. On other transcripts: intron variant (2).
Genome position (GRCh38, 1-based): chr11:108,335,898, T>C. VCF-style: chr11-108335898-T-C. GRCh37 (hg19) VCF-style: chr11-108206625-T-C.
Other names: c.8205T>C, p.Cys2735= (NM_001351834.2); c.641-26827A>G (NM_001330368.2); c.695-606A>G (NM_001351110.2).
Identifiers: ClinVar variation 1668123 (VCV001668123.9), dbSNP rs2136696071, ClinGen allele CA476678154.